The following is an entry in ClinVar:

NM_025137.4(SPG11):c.6590G>C (p.Gly2197Ala)

Gene: SPG11 (SPG11 vesicle trafficking associated, spatacsin; minus strand). Cytogenetic location: 15q21.1.
Variant type: single nucleotide variant.
Coding change: c.6590G>C on transcript NM_025137.4 (MANE Select); coding-DNA position 6590, G replaced by C.
Protein change: p.Gly2197Ala; replaces glycine 2197 with alanine.
Molecular consequence: missense variant.
Genome position (GRCh38, 1-based): chr15:44,567,588, C>G on the plus strand (G>C on the coding strand, the complement: SPG11 is on the minus strand). VCF-style: chr15-44567588-C-G. GRCh37 (hg19) VCF-style: chr15-44859786-C-G.
Other names: c.6251G>C, p.Gly2084Ala (NM_001160227.2); c.6446G>C, p.Gly2149Ala (NM_001411132.1); short protein forms G2197A, G2084A, G2149A.
Identifiers: ClinVar variation 2898788 (VCV002898788.3), dbSNP rs756548501, ClinGen allele CA392215480.
Genomic context (GRCh38, chr15:44,567,588, plus strand): 5'-TTTTCACTGTCTCCAGGACGGCAGCGTTTGATGTAGTCCAGCAGGGCTGTTTTCAGGGTA[C>G]CACTCTGCCCAGAATAAAAGGGAAAAAGCAAGGTGTCAGTCAGGGACTGCAAGGCAGACA-3'
Protein context (NP_079413.3, residues 2187-2207): VLMRKKLDPS[Gly2197Ala]TLKTALLDYI

ClinVar aggregate classification (germline): Uncertain significance (1 of 4 stars; one submission).

Conditions:
Hereditary spastic paraplegia 11. Also called: SPASTIC PARAPLEGIA, AUTOSOMAL RECESSIVE, COMPLICATED, WITH THIN CORPUS CALLOSUM; SPASTIC PARAPLEGIA, AUTOSOMAL RECESSIVE, WITH MENTAL IMPAIRMENT AND THIN CORPUS CALLOSUM; Spastic Paraplegia 11; Spastic paraplegia, mental retardation and thin corpus callosum; Nakamura Osame syndrome; Autosomal recessive hereditary spastic paraplegia, mental impairment, and thin corpus callosum. Identifiers: Orphanet 2822, MedGen C1858479, MONDO:0011445, OMIM 604360.

Allele frequency attached by ClinVar (database versions not stated): TOPMed below 0.00001; gnomAD 0.00001.
gnomAD v4.1: 1 of 1,613,828 alleles (0.000062%); highest among the groups gnomAD compares: Non-Finnish European, 0.000085%; no homozygotes.

Submission:

Labcorp Genetics (formerly Invitae), Labcorp
Classification: Uncertain significance for Hereditary spastic paraplegia 11. Last evaluated: 2024-01-31. Review status: criteria provided, single submitter. Criteria: Invitae Variant Classification Sherloc (09022015). Collection method: clinical testing. Allele origin: germline.
Comment: This sequence change replaces glycine, which is neutral and non-polar, with alanine, which is neutral and non-polar, at codon 2197 of the SPG11 protein (p.Gly2197Ala). This variant is not present in population databases (gnomAD no frequency). This variant has not been reported in the literature in individuals affected with SPG11-related conditions. Advanced modeling of protein sequence and biophysical properties (such as structural, functional, and spatial information, amino acid conservation, physicochemical variation, residue mobility, and thermodynamic stability) performed at Invitae indicates that this missense variant is not expected to disrupt SPG11 protein function with a negative predictive value of 80%. In summary, the available evidence is currently insufficient to determine the role of this variant in disease. Therefore, it has been classified as a Variant of Uncertain Significance.